The following is an entry in ClinVar:

NM_004113.6(FGF12):c.100A>T (p.Thr34Ser)

Gene: FGF12 (fibroblast growth factor 12; minus strand). Cytogenetic location: 3q28.
Variant type: single nucleotide variant.
Coding change: c.100A>T on transcript NM_004113.6 (MANE Select); coding-DNA position 100, A replaced by T.
Protein change: p.Thr34Ser; replaces threonine 34 with serine.
Molecular consequence: missense variant. On other transcripts: intron variant (1).
Genome position (GRCh38, 1-based): chr3:192,360,452, T>A on the plus strand (A>T on the coding strand, the complement: FGF12 is on the minus strand). VCF-style: chr3-192360452-T-A. GRCh37 (hg19) VCF-style: chr3-192078241-T-A.
Other names: c.28A>T, p.Thr10Ser (NM_001377293.1, NM_001377294.1); c.286A>T, p.Thr96Ser (NM_021032.5); c.14-24988A>T (NM_001377292.1); short protein forms T96S, T34S, T10S.
Identifiers: ClinVar variation 1421392 (VCV001421392.6), dbSNP rs2108732524, ClinGen allele CA355867022.

ClinVar aggregate classification (germline): Uncertain significance (1 of 4 stars; one submission).

Submission:

Labcorp Genetics (formerly Invitae), Labcorp
Classification: Uncertain significance. Last evaluated: 2023-07-07. Review status: criteria provided, single submitter. Criteria: Invitae Variant Classification Sherloc (09022015). Collection method: clinical testing. Allele origin: germline.
Comment: In summary, the available evidence is currently insufficient to determine the role of this variant in disease. Therefore, it has been classified as a Variant of Uncertain Significance. ClinVar contains an entry for this variant (Variation ID: 1421392). Advanced modeling of protein sequence and biophysical properties (such as structural, functional, and spatial information, amino acid conservation, physicochemical variation, residue mobility, and thermodynamic stability) performed at Invitae indicates that this missense variant is not expected to disrupt FGF12 protein function. This variant has not been reported in the literature in individuals affected with FGF12-related conditions. This variant is not present in population databases (gnomAD no frequency). This sequence change replaces threonine, which is neutral and polar, with serine, which is neutral and polar, at codon 96 of the FGF12 protein (p.Thr96Ser).